The following is an entry in ClinVar:

NM_145807.4(NTN5):c.1247T>G (p.Leu416Arg)

Gene: NTN5 (netrin 5; minus strand). Cytogenetic location: 19q13.33.
Variant type: single nucleotide variant.
Coding change: c.1247T>G on transcript NM_145807.4 (MANE Select); coding-DNA position 1247, T replaced by G.
Protein change: p.Leu416Arg; replaces leucine 416 with arginine.
Molecular consequence: missense variant.
Genome position (GRCh38, 1-based): chr19:48,661,900, A>C on the plus strand (T>G on the coding strand, the complement: NTN5 is on the minus strand). VCF-style: chr19-48661900-A-C. GRCh37 (hg19) VCF-style: chr19-49165157-A-C.
Other names: short protein forms L416R.
Identifiers: ClinVar variation 2650216 (VCV002650216.24), dbSNP rs549539292, ClinGen allele CA9555555.

ClinVar aggregate classification (germline): Likely benign (1 of 4 stars; one submission).

Allele frequency attached by ClinVar (database versions not stated): ExAC 0.00350; 1000 Genomes Project 0.00359; 1000 Genomes Project 30x 0.00468; gnomAD 0.00540; TOPMed 0.00587; gnomAD exomes 0.00930.
gnomAD v4.1: 11,898 of 1,352,120 alleles (0.88%); highest among the groups gnomAD compares: Non-Finnish European, 1%; 61 homozygotes.

Submission:

CeGaT Center for Human Genetics Tuebingen
Classification: Likely benign. Last evaluated: 2023-03-01. Review status: criteria provided, single submitter. Criteria: CeGaT Center For Human Genetics Tuebingen Variant Classification Criteria Version 2. Collection method: clinical testing. Allele origin: germline. Affected: yes. Observed: 1 variant allele.
Comment: NTN5: BS2